The following is an entry in ClinVar:

ClinVar aggregate classification (germline): Uncertain significance (1 of 4 stars; one submission).

Conditions:
Hereditary cancer-predisposing syndrome. Also called: Neoplastic Syndromes, Hereditary; Tumor predisposition; Hereditary Cancer Syndrome; Hereditary neoplastic syndrome. Identifiers: Orphanet 140162, MedGen C0027672, MeSH D009386, MONDO:0015356.

Submission:

Ambry Genetics
Classification: Uncertain significance for Hereditary cancer-predisposing syndrome. Last evaluated: 2026-02-13. Review status: criteria provided, single submitter. Criteria: Ambry Variant Classification Scheme 2023. Collection method: clinical testing. Allele origin: germline.
Comment: The p.D812E variant (also known as c.2436C>G), located in coding exon 15 of the APC gene, results from a C to G substitution at nucleotide position 2436. The aspartic acid at codon 812 is replaced by glutamic acid, an amino acid with highly similar properties. This amino acid position is not well conserved in available vertebrate species. In addition, in silico predictors for this gene do not accurately predict pathogenicity. Missense variants in APC are not a common cause of disease (Spier I et al. Genet Med. 2024 Feb;26(2):100992). Based on the available evidence, the clinical significance of this variant remains unclear.

NM_000038.6(APC):c.2436C>G (p.Asp812Glu)

Gene: APC (APC regulator of Wnt signaling pathway; plus strand). Cytogenetic location: 5q22.2.
Variant type: single nucleotide variant.
Coding change: c.2436C>G on transcript NM_000038.6 (MANE Select); coding-DNA position 2436, C replaced by G.
Protein change: p.Asp812Glu; replaces aspartic acid 812 with glutamic acid.
Molecular consequence: missense variant. On other transcripts: non-coding transcript variant (2).
Genome position (GRCh38, 1-based): chr5:112,838,030, C>G. VCF-style: chr5-112838030-C-G. GRCh37 (hg19) VCF-style: chr5-112173727-C-G.
Other names: c.2133C>G, p.Asp711Glu (NM_001354903.2, NM_001407458.1, NM_001407459.1 and 1 more transcripts); c.2058C>G, p.Asp686Glu (NM_001354904.2); c.1956C>G, p.Asp652Glu (NM_001354905.2); c.1587C>G, p.Asp529Glu (NM_001354906.2, NM_001407470.1); c.2520C>G, p.Asp840Glu (NM_001407446.1); c.2490C>G, p.Asp830Glu (NM_001407447.1, NM_001407448.1, NM_001407449.1 and 1 more transcripts); c.2436C>G, p.Asp812Glu (NM_001407450.1, NM_001127510.3, NM_001354895.2); c.2415C>G, p.Asp805Glu (NM_001407451.1); and 11 more; short protein forms D683E, D822E, D428E, D652E, D753E, D784E, D802E, D529E.
Identifiers: ClinVar variation 4825041 (VCV004825041.1).